The following is an entry in ClinVar:

ClinVar aggregate classification (germline): Pathogenic (1 of 4 stars; one submission).

Conditions:
Duchenne muscular dystrophy (DMD). Also called: Duchenne Muscular Dystrophy (DMD); MUSCULAR DYSTROPHY, PSEUDOHYPERTROPHIC PROGRESSIVE, DUCHENNE TYPE. Identifiers: Orphanet 98896, MedGen C0013264, MONDO:0010679, OMIM 310200.

Submission:

Labcorp Genetics (formerly Invitae), Labcorp
Classification: Pathogenic for Duchenne muscular dystrophy. Last evaluated: 2024-11-23. Review status: criteria provided, single submitter. Criteria: Invitae Variant Classification Sherloc (09022015). Collection method: clinical testing. Allele origin: germline.
Comment: This sequence change affects a donor splice site in intron 19 of the DMD gene. RNA analysis indicates that disruption of this splice site induces altered splicing and may result in an absent or altered protein product. This variant is not present in population databases (gnomAD no frequency). Disruption of this splice site has been observed in individual(s) with Duchenne muscular dystrophy (PMID: 25007885). In at least one individual the variant was observed to be de novo. Studies have shown that disruption of this splice site results in skipping of exon 19, and produces a non-functional protein and/or introduces a premature termination codon (PMID: 25007885). For these reasons, this variant has been classified as Pathogenic.

Literature cited by the submitters: PubMed 25007885.

NM_004006.3(DMD):c.2380+2T>C

Gene: DMD (dystrophin; minus strand). Cytogenetic location: Xp21.1.
Variant type: single nucleotide variant.
Coding change: c.2380+2T>C on transcript NM_004006.3 (MANE Select); the canonical splice donor site of the intron after coding-DNA position 2380, T replaced by C.
Molecular consequence: splice donor variant.
Genome position (GRCh38, 1-based): chrX:32,501,753, A>G on the plus strand (T>C on the coding strand, the complement: DMD is on the minus strand). VCF-style: chrX-32501753-A-G. GRCh37 (hg19) VCF-style: chrX-32519870-A-G.
Other names: c.2356+2T>C (NM_000109.4); c.2368+2T>C (NM_004009.3); c.2011+2T>C (NM_004010.3).
Identifiers: ClinVar variation 3725907 (VCV003725907.2), dbSNP rs398123885.
Genomic context (GRCh38, chrX:32,501,753, plus strand): 5'-ATATGAACCTATGTGTTTATCAAATCCCTAAGAAGATTATCTAAATCAACTCGTGTAATT[A>G]CCATTCACCATCTGTTCCACCAGGGCCTGAGCTGATCTGCTGGCATCTTGCAGTTTTCTG-3'